The following is an entry in ClinVar:

NM_194248.3(OTOF):c.1910T>C (p.Ile637Thr)

Gene: OTOF (otoferlin; minus strand). Cytogenetic location: 2p23.3.
Variant type: single nucleotide variant.
Coding change: c.1910T>C on transcript NM_194248.3 (MANE Select); coding-DNA position 1910, T replaced by C.
Protein change: p.Ile637Thr; replaces isoleucine 637 with threonine.
Molecular consequence: missense variant.
Genome position (GRCh38, 1-based): chr2:26,480,205, A>G on the plus strand (T>C on the coding strand, the complement: OTOF is on the minus strand). VCF-style: chr2-26480205-A-G. GRCh37 (hg19) VCF-style: chr2-26703073-A-G.
Other names: c.1910T>C, p.Ile637Thr (NM_001287489.2); short protein forms I637T.
Identifiers: ClinVar variation 48180 (VCV000048180.19), dbSNP rs111033351, ClinGen allele CA142766.

ClinVar aggregate classification (germline): Conflicting classifications of pathogenicity. Review status: criteria provided, conflicting classifications (1 of 4 stars). 6 submissions from 6 submitters: Uncertain significance (4); Likely benign (2). Last evaluated 2026-01-24.

Conditions:
OTOF-related disorder. Also called: OTOF-related condition.
Autosomal recessive nonsyndromic hearing loss 9. Also called: AUDITORY NEUROPATHY, AUTOSOMAL RECESSIVE, 1, TEMPERATURE-SENSITIVE; Deafness, autosomal recessive 9; OTOF-Related Hearing Loss; NEUROSENSORY NONSYNDROMIC RECESSIVE DEAFNESS 9. Identifiers: Orphanet 90636, MedGen C1832828, MONDO:0010986, OMIM 601071.

Allele frequency attached by ClinVar (database versions not stated): gnomAD exomes 0.00005 and 0.00019; ExAC 0.00022; ESP Exome Variant Server 0.00069; TOPMed 0.00073; gnomAD 0.00074 and 0.00076; 1000 Genomes Project 30x 0.00078; 1000 Genomes Project 0.00080.
gnomAD v4.1: 189 of 1,590,408 alleles (0.012%); highest among the groups gnomAD compares: African/African-American, 0.21%; no homozygotes.

Submissions (6):

Labcorp Genetics (formerly Invitae), Labcorp
Classification: Likely benign. Last evaluated: 2026-01-24. Review status: criteria provided, single submitter. Criteria: Invitae Variant Classification Sherloc (09022015). Collection method: clinical testing. Allele origin: germline.

GeneDx
Classification: Uncertain significance. Last evaluated: 2025-10-21. Review status: criteria provided, single submitter. Criteria: GeneDx Variant Classification Process June 2021. Collection method: clinical testing. Allele origin: germline. Affected: yes.
Comment: In silico analysis supports that this missense variant has a deleterious effect on protein structure/function; Has not been previously published as pathogenic or benign to our knowledge; This variant is associated with the following publications: (PMID: 37086329)

PreventionGenetics, part of Exact Sciences
Classification: Likely benign for OTOF-related condition. Last evaluated: 2025-01-28. Review status: criteria provided, single submitter. Criteria: ACMG Guidelines, 2015. Collection method: clinical testing. Allele origin: germline.
Comment: This variant is classified as likely benign based on ACMG/AMP sequence variant interpretation guidelines (Richards et al. 2015 PMID: 25741868, with internal and published modifications).

Blueprint Genetics
Classification: Uncertain significance. Last evaluated: 2024-10-16. Review status: criteria provided, single submitter. Criteria: ACMG Guidelines, 2015. Collection method: clinical testing. Allele origin: germline.

Fulgent Genetics
Classification: Uncertain significance for Autosomal recessive nonsyndromic hearing loss 9. Last evaluated: 2018-10-31. Review status: criteria provided, single submitter. Criteria: ACMG Guidelines, 2015. Collection method: clinical testing. Allele origin: unknown.

Laboratory for Molecular Medicine, Mass General Brigham Personalized Medicine
Classification: Uncertain significance. Last evaluated: 2017-03-31. Review status: criteria provided, single submitter. Criteria: LMM Criteria. Collection method: clinical testing. Allele origin: germline. Observed: 5 variant alleles.
Comment: The p.Ile637Thr variant in OTOF has been previously identified by our laboratory in 4 individuals hearing loss, 3 of whom also have the p.Asp1406Asn variant of uncertain significance, suggesting that these two variants may occur in cis (on the same allele). One of those individuals was reported to have auditory neuropa thy/dys-synchrony and carried additional OTOF variants that were likely causativ e for the hearing loss. This variant has been identified in 0.2% (24/10294) of A frican chromosomes by the Exome Aggregation Consortium (ExAC; dbSNP rs111033351). Computational prediction tools and conservatio n analysis suggest that this variant may impact the protein, though this informa tion is not predictive enough to determine pathogenicity. In summary, the clinic al significance of the p.Ile637Thr variant is uncertain.